The following is an entry in ClinVar:

NM_020719.3(PRR12):c.3864C>A (p.Phe1288Leu)

Gene: PRR12 (proline rich 12; plus strand). Cytogenetic location: 19q13.33.
Variant type: single nucleotide variant.
Coding change: c.3864C>A on transcript NM_020719.3 (MANE Select); coding-DNA position 3864, C replaced by A.
Protein change: p.Phe1288Leu; replaces phenylalanine 1288 with leucine.
Molecular consequence: missense variant.
Genome position (GRCh38, 1-based): chr19:49,599,457, C>A. VCF-style: chr19-49599457-C-A. GRCh37 (hg19) VCF-style: chr19-50102714-C-A.
Other names: short protein forms F1288L.
Identifiers: ClinVar variation 4993665 (VCV004993665.1).
Genomic context (GRCh38, chr19:49,599,457, plus strand): 5'-GGAGGTGGAGGAGAAGCAGCCGGAGATGAAGTCGGGTTTCATGGCCTCCTTCTTGGACTT[C>A]CTCAAGTCAGGCAAGCGCCACCCACCACTCTACCAGGCGGGCCTGACGCCTCCGCTCAGC-3'
Protein context (NP_065770.1, residues 1278-1298): KSGFMASFLD[Phe1288Leu]LKSGKRHPPL

ClinVar aggregate classification (germline): Uncertain significance (1 of 4 stars; one submission).

Conditions:
PRR12-related disorder. Also called: PRR12-related condition.

Submission:

PreventionGenetics, part of Exact Sciences
Classification: Uncertain significance for PRR12-related condition. Last evaluated: 2026-07-14. Review status: criteria provided, single submitter. Criteria: ACMG Guidelines, 2015. Collection method: clinical testing. Allele origin: germline.
Comment: The PRR12 c.3864C>A variant is predicted to result in the amino acid substitution p.Phe1288Leu. To our knowledge, this variant has not been reported in the literature or in a large population database (gnomAD), indicating this variant is rare. At this time, the clinical significance of this variant is uncertain due to the absence of conclusive functional and genetic evidence.